The following is an entry in ClinVar:

NM_001267550.2(TTN):c.45895+10T>A

Gene: TTN (titin; minus strand). Cytogenetic location: 2q31.2.
Variant type: single nucleotide variant.
Coding change: c.45895+10T>A on transcript NM_001267550.2 (MANE Select); 10 bases into the intron after coding-DNA position 45895, T replaced by A.
Molecular consequence: intron variant.
Genome position (GRCh38, 1-based): chr2:178,620,705, A>T on the plus strand (T>A on the coding strand, the complement: TTN is on the minus strand). VCF-style: chr2-178620705-A-T. GRCh37 (hg19) VCF-style: chr2-179485432-A-T.
Other names: c.18700+10T>A (NM_003319.4); c.19276+10T>A (NM_133437.4); c.19075+10T>A (NM_133432.3); c.38191+10T>A (NM_133378.4); c.40972+10T>A (NM_001256850.1).
Identifiers: ClinVar variation 228096 (VCV000228096.5), dbSNP rs373140286, ClinGen allele CA10576526.
Genomic context (GRCh38, chr2:178,620,705, plus strand): 5'-TATGTTGATTTTAATTATTTTTATAACAGAAACTGATGAAAAAATCTCTAGTGGTATATA[A>T]ATTACTTACCTTCTACTATTAGATTGGCTGCACTTTTAACATTTTCACCTCTGTGATTGG-3'

ClinVar aggregate classification (germline): Likely benign (1 of 4 stars; one submission).

Allele frequency attached by ClinVar (database versions not stated): gnomAD 0.00001.

Submission:

Laboratory for Molecular Medicine, Mass General Brigham Personalized Medicine
Classification: Likely benign. Last evaluated: 2015-02-03. Review status: criteria provided, single submitter. Criteria: LMM Criteria. Collection method: clinical testing. Allele origin: germline. Observed: 1 variant allele.
Comment: c.38191+10T>A in intron 196 of TTN: This variant is not expected to have clinica l significance because it is not located within the splice consensus sequence.